The following is an entry in ClinVar:

ClinVar aggregate classification (germline): Uncertain significance. Review status: criteria provided, multiple submitters, no conflicts (2 of 4 stars). 2 submissions from 2 submitters: Uncertain significance (2). Last evaluated 2025-04-09.

Allele frequency attached by ClinVar (database versions not stated): ExAC 0.00001; TOPMed 0.00002; gnomAD 0.00001.

Submissions (2):

Women's Health and Genetics/Laboratory Corporation of America, LabCorp
Classification: Uncertain significance. Last evaluated: 2025-04-09. Review status: criteria provided, single submitter. Criteria: LabCorp Variant Classification Summary - May 2015. Collection method: clinical testing. Allele origin: germline.
Comment: Variant summary: LAMP1 c.1195G>A (p.Val399Ile) results in a conservative amino acid change in the encoded protein sequence. Three of five in-silico tools predict a damaging effect of the variant on protein function. The variant allele was found at a frequency of 1.6e-05 in 246700 control chromosomes. The available data on variant occurrences in the general population are insufficient to allow any conclusion about variant significance. To our knowledge, no occurrence of c.1195G>A in individuals affected with LAMP1 Related Disorders and no experimental evidence demonstrating its impact on protein function have been reported. ClinVar contains an entry for this variant (Variation ID: 3117736). Based on the evidence outlined above, the variant was classified as uncertain significance.

Ambry Genetics
Classification: Uncertain significance. Last evaluated: 2024-01-02. Review status: criteria provided, single submitter. Criteria: Ambry Variant Classification Scheme 2023. Collection method: clinical testing. Allele origin: germline.

NM_005561.4(LAMP1):c.1195G>A (p.Val399Ile)

Gene: LAMP1 (lysosomal associated membrane protein 1; plus strand). Cytogenetic location: 13q34.
Variant type: single nucleotide variant.
Coding change: c.1195G>A on transcript NM_005561.4 (MANE Select); coding-DNA position 1195, G replaced by A.
Protein change: p.Val399Ile; replaces valine 399 with isoleucine.
Molecular consequence: missense variant.
Genome position (GRCh38, 1-based): chr13:113,322,362, G>A. VCF-style: chr13-113322362-G-A. GRCh37 (hg19) VCF-style: chr13-113976677-G-A.
Other names: short protein forms V399I.
Identifiers: ClinVar variation 3117736 (VCV003117736.3), dbSNP rs756990012, ClinGen allele CA7062892.